The following is an entry in ClinVar:

ClinVar aggregate classification (germline): Uncertain significance (1 of 4 stars; one submission).

Submission:

Ambry Genetics
Classification: Uncertain significance. Last evaluated: 2026-04-08. Review status: criteria provided, single submitter. Criteria: Ambry Variant Classification Scheme 2023. Collection method: clinical testing. Allele origin: germline.
Comment: The c.884G>A (p.R295Q) alteration is located in exon 13 (coding exon 12) of the GTF2H2 gene. This alteration results from a G to A substitution at nucleotide position 884, causing the arginine (R) at amino acid position 295 to be replaced by a glutamine (Q). Based on data from gnomAD, the A allele has an overall frequency of 0.001% (1/146520) total alleles studied. The highest observed frequency was 0.001% (1/71602) of European (non-Finnish) alleles. Based on insufficient or conflicting evidence, the clinical significance of this alteration remains unclear.

NM_001515.4(GTF2H2):c.884G>A (p.Arg295Gln)

Gene: GTF2H2 (general transcription factor IIH subunit 2; minus strand). Cytogenetic location: 5q13.2.
Variant type: single nucleotide variant.
Coding change: c.884G>A on transcript NM_001515.4 (MANE Select); coding-DNA position 884, G replaced by A.
Protein change: p.Arg295Gln; replaces arginine 295 with glutamine.
Molecular consequence: missense variant.
Genome position (GRCh38, 1-based): chr5:71,042,222, C>T on the plus strand (G>A on the coding strand, the complement: GTF2H2 is on the minus strand). VCF-style: chr5-71042222-C-T. GRCh37 (hg19) VCF-style: chr5-70338049-C-T.
Other names: c.833G>A, p.Arg278Gln (NM_001395389.1, NM_001395395.1, NM_001395396.1); c.884G>A, p.Arg295Gln (NM_001395390.1, NM_001395391.1, NM_001395392.1 and 11 more transcripts); c.881G>A, p.Arg294Gln (NM_001395393.1); c.713G>A, p.Arg238Gln (NM_001364572.3); c.716G>A, p.Arg239Gln (NM_001364573.3); short protein forms R238Q, R239Q, R278Q, R294Q, R295Q.
Identifiers: ClinVar variation 4858233 (VCV004858233.1).
Genomic context (GRCh38, chr5:71,042,222, plus strand): 5'-TGAATAGTTGTTTTCTTACCACAGATTTTACACTCAACAGGTAGCTCACAGTACTTTGCC[C>T]GACACTGTGGGCAGAAATAGCCTCCTAATGTAAGCCCTGGCTCAGTATTGCCATCCAAAT-3'
Protein context (NP_001506.1, residues 285-305): TLGGYFCPQC[Arg295Gln]AKYCELPVEC